The following is an entry in ClinVar:

ClinVar aggregate classification (germline): Benign (1 of 4 stars; one submission).

Conditions:
Epidermolysis bullosa simplex due to plakophilin deficiency. Also called: MCGRATH SYNDROME. Identifiers: Orphanet 158668, MedGen C1858302, MONDO:0011472, OMIM 604536.

Allele frequency attached by ClinVar (database versions not stated): TOPMed 0.03227; 1000 Genomes Project 0.03574; 1000 Genomes Project 30x 0.03654.

Submission:

Illumina Laboratory Services, Illumina
Classification: Benign for Epidermolysis bullosa simplex due to plakophilin deficiency. Last evaluated: 2018-01-13. Review status: criteria provided, single submitter. Criteria: ICSL Variant Classification Criteria 13 December 2019. Collection method: clinical testing. Allele origin: germline.
Comment: This variant was observed in the ICSL laboratory as part of a predisposition screen in an ostensibly healthy population. It had not been previously curated by ICSL or reported in the Human Gene Mutation Database (HGMD: prior to June 1st, 2018), and was therefore a candidate for classification through an automated scoring system. Utilizing variant allele frequency, disease prevalence and penetrance estimates, and inheritance mode, an automated score was calculated to assess if this variant is too frequent to cause the disease. Based on the score and internal cut-off values, a variant classified as benign is not then subjected to further curation. The score for this variant resulted in a classification of benign for this disease.

NM_001005337.3(PKP1):c.*2362C>T

Gene: PKP1 (plakophilin 1; plus strand). Cytogenetic location: 1q32.1.
Variant type: single nucleotide variant.
Coding change: c.*2362C>T on transcript NM_001005337.3 (MANE Select); 2362 bases downstream of the stop codon, C replaced by T.
Molecular consequence: 3 prime UTR variant.
Genome position (GRCh38, 1-based): chr1:201,332,403, C>T. VCF-style: chr1-201332403-C-T. GRCh37 (hg19) VCF-style: chr1-201301531-C-T.
Other names: c.*2362C>T (NM_000299.4).
Identifiers: ClinVar variation 294877 (VCV000294877.5), dbSNP rs77409791, ClinGen allele CA10608795.